The following is an entry in ClinVar:

NM_001276270.2(MBD4):c.575C>T (p.Pro192Leu)

Gene: MBD4 (methyl-CpG binding domain 4, DNA glycosylase; minus strand). Cytogenetic location: 3q21.3.
Variant type: single nucleotide variant.
Coding change: c.575C>T on transcript NM_001276270.2 (MANE Select); coding-DNA position 575, C replaced by T.
Protein change: p.Pro192Leu; replaces proline 192 with leucine.
Molecular consequence: missense variant. On other transcripts: intron variant (1).
Genome position (GRCh38, 1-based): chr3:129,437,069, G>A on the plus strand (C>T on the coding strand, the complement: MBD4 is on the minus strand). VCF-style: chr3-129437069-G-A. GRCh37 (hg19) VCF-style: chr3-129155912-G-A.
Other names: c.575C>T, p.Pro192Leu (NM_001276271.2, NM_001276272.2, NM_003925.3); c.247+739C>T (NM_001276273.2); short protein forms P192L.
Identifiers: ClinVar variation 4624401 (VCV004624401.1).

ClinVar aggregate classification (germline): Uncertain significance (1 of 4 stars; one submission).

Conditions:
Inborn genetic diseases. Identifiers: MedGen C0950123, MeSH D030342.

Submission:

Ambry Genetics
Classification: Uncertain significance for Inborn genetic diseases. Last evaluated: 2025-10-10. Review status: criteria provided, single submitter. Criteria: Ambry Variant Classification Scheme 2023. Collection method: clinical testing. Allele origin: germline.
Comment: The p.P192L variant (also known as c.575C>T), located in coding exon 3 of the MBD4 gene, results from a C to T substitution at nucleotide position 575. The proline at codon 192 is replaced by leucine, an amino acid with similar properties. This amino acid position is conserved. In addition, the in silico prediction for this alteration is inconclusive. Based on the available evidence, the clinical significance of this variant remains unclear.